The following is an entry in ClinVar:

ClinVar aggregate classification (germline): Uncertain significance (1 of 4 stars; one submission).

Conditions:
Hereditary cancer-predisposing syndrome. Also called: Tumor predisposition; Hereditary Cancer Syndrome; Neoplastic Syndromes, Hereditary; Hereditary neoplastic syndrome. Identifiers: Orphanet 140162, MedGen C0027672, MeSH D009386, MONDO:0015356.

Submission:

Ambry Genetics
Classification: Uncertain significance for Hereditary cancer-predisposing syndrome. Last evaluated: 2022-07-12. Review status: criteria provided, single submitter. Criteria: Ambry Variant Classification Scheme 2023. Collection method: clinical testing. Allele origin: germline.
Comment: The p.N86S variant (also known as c.257A>G), located in coding exon 2 of the TMEM127 gene, results from an A to G substitution at nucleotide position 257. The asparagine at codon 86 is replaced by serine, an amino acid with highly similar properties. This amino acid position is conserved. In addition, this alteration is predicted to be tolerated by in silico analysis. Since supporting evidence is limited at this time, the clinical significance of this alteration remains unclear.

NM_017849.4(TMEM127):c.257A>G (p.Asn86Ser)

Gene: TMEM127 (transmembrane protein 127; minus strand). Cytogenetic location: 2q11.2.
Variant type: single nucleotide variant.
Coding change: c.257A>G on transcript NM_017849.4 (MANE Select); coding-DNA position 257, A replaced by G.
Protein change: p.Asn86Ser; replaces asparagine 86 with serine.
Molecular consequence: missense variant.
Genome position (GRCh38, 1-based): chr2:96,254,985, T>C on the plus strand (A>G on the coding strand, the complement: TMEM127 is on the minus strand). VCF-style: chr2-96254985-T-C. GRCh37 (hg19) VCF-style: chr2-96920723-T-C.
Other names: c.257A>G, p.Asn86Ser (NM_001193304.3); c.5A>G, p.Asn2Ser (NM_001407282.1, NM_001407283.1); short protein forms N2S, N86S.
Identifiers: ClinVar variation 1793347 (VCV001793347.2), dbSNP rs2467266711, ClinGen allele CA347653661.
Genomic context (GRCh38, chr2:96,254,985, plus strand): 5'-CACAGGATGCCCAGGAAACAGAAGGCGGCGATGACCCGCAGGAGCAGCACTGTCTGGGGA[T>C]TCATGCAGAAATCTGTAGAGGGAGAACCAAATTTTCACGGCCCCAAGTAACACTTGGTGC-3'
Protein context (NP_060319.1, residues 76-96): HPDLLKDFCM[Asn86Ser]PQTVLLLRVI